The following is an entry in ClinVar:

NM_001754.5(RUNX1):c.1221C>A (p.Tyr407Ter)

Gene: RUNX1 (RUNX family transcription factor 1; minus strand). Cytogenetic location: 21q22.12.
Variant type: single nucleotide variant.
Coding change: c.1221C>A on transcript NM_001754.5 (MANE Select); coding-DNA position 1221, C replaced by A.
Protein change: p.Tyr407Ter; replaces tyrosine 407 with a stop codon.
Molecular consequence: nonsense.
Genome position (GRCh38, 1-based): chr21:34,792,357, G>T on the plus strand (C>A on the coding strand, the complement: RUNX1 is on the minus strand). VCF-style: chr21-34792357-G-T. GRCh37 (hg19) VCF-style: chr21-36164654-G-T.
Other names: NM_001754.5(RUNX1):c.1221C>A; p.Tyr407Ter; c.1140C>A, p.Tyr380Ter (NM_001001890.3); short protein forms Y407*, Y380*.
Identifiers: ClinVar variation 2820100 (VCV002820100.5), dbSNP rs914897271, ClinGen allele CA410147746.
Genomic context (GRCh38, chr21:34,792,357, plus strand): 5'-GCGCGGCGGCGAGCGCTCGCCGCCCACCATGGAGAACTGGTAGGAGCCGGCCGAGGCGCC[G>T]TAGTACAGGTGGTAGGAGGGCGAGCTGGCTTGGAACGGGCCTCCCTGCGCTTGCGACGAG-3'

ClinVar aggregate classification (germline): Likely pathogenic. Review status: reviewed by expert panel (3 of 4 stars). 2 submissions from 2 submitters: Likely pathogenic (1). 1 of the submissions does not count toward it. Last evaluated 2026-10-02.

Conditions:
Hereditary thrombocytopenia and hematological cancer predisposition syndrome associated with RUNX1. Also called: PLATELET DISORDER, ASPIRIN-LIKE; Familial Platelet Disorder with Propensity to Acute Myelogenous Leukemia; Familial thrombocytopenia with propensity to acute myelogenous leukemia; RUNX1 Familial Platelet Disorder with Associated Myeloid Malignancies. Identifiers: Orphanet 71290, MedGen C1832388, MeSH C563324, MONDO:0100083, OMIM 601399.
Hereditary thrombocytopenia and hematologic cancer predisposition syndrome. Identifiers: Orphanet 71290, MedGen CN281654, MONDO:0011071.

Submissions (2):

ClinGen Myeloid Malignancy Variant Curation Expert Panel
Classification: Likely pathogenic for Hereditary thrombocytopenia and hematologic cancer predisposition syndrome. Last evaluated: 2026-10-02. Review status: reviewed by expert panel. Criteria: ClinGen MyeloMalig ACMG Specifications V3.1. Collection method: curation. Allele origin: germline. Inheritance: Autosomal dominant inheritance.
Comment: NM_001754.5(RUNX1):c.1221C>A (p.Tyr407Ter) is a nonsense variant which is not predicted to undergo NMD (PVS1_Strong). This variant is downstream of c.98 (PM5_Supporting) and is completely absent from all population databases with at least 20x coverage for RUNX1 (PM2_Supporting). In summary, this variant meets criteria to be classified as likely pathogenic. ACMG/AMP criteria applied, as specified by the Myeloid Malignancy Variant Curation Expert Panel for RUNX1: PVS1_Strong, PM5_Supporting, PM2_Supporting.

Labcorp Genetics (formerly Invitae), Labcorp
Classification: Pathogenic for Hereditary thrombocytopenia and hematological cancer predisposition syndrome associated with RUNX1. Last evaluated: 2025-01-15. Review status: criteria provided, single submitter. Criteria: Invitae Variant Classification Sherloc (09022015). Collection method: clinical testing. Allele origin: germline. Not counted in ClinVar's aggregate classification.
Comment: This sequence change creates a premature translational stop signal (p.Tyr407*) in the RUNX1 gene. While this is not anticipated to result in nonsense mediated decay, it is expected to disrupt the last 74 amino acid(s) of the RUNX1 protein. This variant is not present in population databases (gnomAD no frequency). This variant has not been reported in the literature in individuals affected with RUNX1-related conditions. ClinVar contains an entry for this variant (Variation ID: 2820100). This variant disrupts a region of the RUNX1 protein in which other variant(s) (p.Tyr414*) have been determined to be pathogenic (PMID: 30600763). This suggests that this is a clinically significant region of the protein, and that variants that disrupt it are likely to be disease-causing. For these reasons, this variant has been classified as Pathogenic.

Literature cited by the submitters: PubMed 30600763 (cited by Labcorp Genetics (formerly Invitae), Labcorp).